The following is an entry in ClinVar:

NM_025009.5(CEP135):c.3144_3147del (p.His1048fs)

Gene: CEP135 (centrosomal protein 135; plus strand). Cytogenetic location: 4q12.
Variant type: Deletion.
Coding change: c.3144_3147del on transcript NM_025009.5 (MANE Select); coding-DNA positions 3144 to 3147, 4 bases deleted (CTTA; older notation c.3144_3147delCTTA).
Protein change: p.His1048fs; shifts the reading frame from histidine 1048.
Molecular consequence: frameshift variant.
Genome position (GRCh38, 1-based): chr4:56,019,484-56,019,487, CTTA deleted; deleting any 4 consecutive bases within chr4:56,019,483-56,019,487 gives the same sequence; the c. name uses the placement nearest the transcript's 3' end. VCF-style (leftmost placement, unchanged base first): chr4-56019482-CACTT-C. GRCh37 (hg19) VCF-style: chr4-56885648-CACTT-C.
Other names: short protein forms H1048fs.
Identifiers: ClinVar variation 2629444 (VCV002629444.4), dbSNP rs1184861455, ClinGen allele CA796487585.
Genomic context (GRCh38, chr4:56,019,482, plus strand): 5'-CATACAGTTAAAAACCTCGAATCATTGTTGGCTACAAACAGAGATAAAGAATTTCATTCT[CACTT>C]AACCTCCCACGAGAAGGATACAGAAATCCAGCTACTTAAGGAGAAGTTAACCCTTTCTGA-3'

ClinVar aggregate classification (germline): Pathogenic/Likely pathogenic. Review status: criteria provided, multiple submitters, no conflicts (2 of 4 stars). 2 submissions from 2 submitters: Pathogenic (1); Likely pathogenic (1). Last evaluated 2023-08-18.

Conditions:
CEP135-related disorder. Also called: CEP135-related condition.

Submissions (2):

PreventionGenetics, part of Exact Sciences
Classification: Likely pathogenic for CEP135-related condition. Last evaluated: 2023-08-18. Review status: criteria provided, single submitter. Criteria: ACMG Guidelines, 2015. Collection method: clinical testing. Allele origin: germline.
Comment: The CEP135 c.3144_3147delCTTA variant is predicted to result in a frameshift and premature protein termination (p.His1048Glnfs*17). To our knowledge, this variant has not been reported in the literature or in a large population database, indicating this variant is rare. Frameshift variants in CEP135 are expected to be pathogenic. This variant is interpreted as likely pathogenic.

Labcorp Genetics (formerly Invitae), Labcorp
Classification: Pathogenic. Last evaluated: 2022-12-25. Review status: criteria provided, single submitter. Criteria: Invitae Variant Classification Sherloc (09022015). Collection method: clinical testing. Allele origin: germline.
Comment: For these reasons, this variant has been classified as Pathogenic. This variant has not been reported in the literature in individuals affected with CEP135-related conditions. This variant is not present in population databases (gnomAD no frequency). This sequence change creates a premature translational stop signal (p.His1048Glnfs*17) in the CEP135 gene. It is expected to result in an absent or disrupted protein product. Loss-of-function variants in CEP135 are known to be pathogenic (PMID: 22521416, 26657937).

Literature cited by the submitters: PubMed 22521416 (cited by Labcorp Genetics (formerly Invitae), Labcorp); PubMed 26657937 (cited by Labcorp Genetics (formerly Invitae), Labcorp).